The following is an entry in ClinVar:

ClinVar aggregate classification (germline): Uncertain significance. Review status: criteria provided, multiple submitters, no conflicts (2 of 4 stars). 2 submissions from 2 submitters: Uncertain significance (2). Last evaluated 2023-08-08.

Conditions:
Inborn genetic diseases. Identifiers: MedGen C0950123, MeSH D030342.

Allele frequency attached by ClinVar (database versions not stated): gnomAD exomes below 0.00001; gnomAD 0.00001; TOPMed 0.00001.
gnomAD v4.1: 3 of 1,614,062 alleles (0.00019%); highest among the groups gnomAD compares: African/African-American, 0.0027%; no homozygotes.

Submissions (2):

Ambry Genetics
Classification: Uncertain significance for Inborn genetic diseases. Last evaluated: 2023-08-08. Review status: criteria provided, single submitter. Criteria: Ambry Variant Classification Scheme 2023. Collection method: clinical testing. Allele origin: germline.

GeneDx
Classification: Uncertain significance. Last evaluated: 2022-11-21. Review status: criteria provided, single submitter. Criteria: GeneDx Variant Classification Process June 2021. Collection method: clinical testing. Allele origin: germline. Affected: yes.
Comment: Not observed at significant frequency in large population cohorts (gnomAD); In silico analysis supports that this missense variant has a deleterious effect on protein structure/function; Has not been previously published as pathogenic or benign to our knowledge

NM_006015.6(ARID1A):c.2345A>G (p.His782Arg)

Gene: ARID1A (AT-rich interaction domain 1A; plus strand). Cytogenetic location: 1p36.11.
Variant type: single nucleotide variant.
Coding change: c.2345A>G on transcript NM_006015.6 (MANE Select); coding-DNA position 2345, A replaced by G.
Protein change: p.His782Arg; replaces histidine 782 with arginine.
Molecular consequence: missense variant.
Genome position (GRCh38, 1-based): chr1:26,762,245, A>G. VCF-style: chr1-26762245-A-G. GRCh37 (hg19) VCF-style: chr1-27088736-A-G.
Other names: c.2345A>G, p.His782Arg (NM_139135.4); short protein forms H782R.
Identifiers: ClinVar variation 2502794 (VCV002502794.3), dbSNP rs1279259438, ClinGen allele CA339155320.